The following is an entry in ClinVar:

NM_001365068.1(ASTN2):c.3782+9G>T

Gene: ASTN2 (astrotactin 2; minus strand). Cytogenetic location: 9q33.1.
Variant type: single nucleotide variant.
Coding change: c.3782+9G>T on transcript NM_001365068.1 (MANE Select); 9 bases into the intron after coding-DNA position 3782, G replaced by T.
Molecular consequence: intron variant.
Genome position (GRCh38, 1-based): chr9:116,440,600, C>A on the plus strand (G>T on the coding strand, the complement: ASTN2 is on the minus strand). VCF-style: chr9-116440600-C-A. GRCh37 (hg19) VCF-style: chr9-119202879-C-A.
Other names: c.3629+9G>T (NM_014010.5); c.3770+9G>T (NM_001365069.1); c.938+9G>T (NM_001184734.1, NM_198188.2, NM_198187.3); c.1085+9G>T (NM_198186.3).
Identifiers: ClinVar variation 3060454 (VCV003060454.2), dbSNP rs74790727, ClinGen allele CA5210609.

ClinVar aggregate classification (germline): Benign (0 of 4 stars; one submission).

Conditions:
ASTN2-related disorder. Also called: ASTN2-related condition.

Allele frequency attached by ClinVar (database versions not stated): 1000 Genomes Project 30x 0.07292; 1000 Genomes Project 0.07428; ESP Exome Variant Server 0.12840.
gnomAD v4.1: 232,983 of 1,611,472 alleles (14%); highest among the groups gnomAD compares: Middle Eastern, 17%; 18,231 homozygotes.

Submission:

PreventionGenetics, part of Exact Sciences
Classification: Benign for ASTN2-related condition. Last evaluated: 2019-10-21. Review status: no assertion criteria provided. Collection method: clinical testing. Allele origin: germline.
Comment: This variant is classified as benign based on ACMG/AMP sequence variant interpretation guidelines (Richards et al. 2015 PMID: 25741868, with internal and published modifications).